The following is an entry in ClinVar:

ClinVar aggregate classification (germline): Uncertain significance (1 of 4 stars; one submission).

Conditions:
SMC3-related disorder. Also called: SMC3-related condition.

Allele frequency attached by ClinVar (database versions not stated): TOPMed below 0.00001; gnomAD exomes 0.00001.
gnomAD v4.1: 11 of 1,614,100 alleles (0.00068%); highest among the groups gnomAD compares: Non-Finnish European, 0.00085%; no homozygotes.

Submission:

PreventionGenetics, part of Exact Sciences
Classification: Uncertain significance for SMC3-related condition. Last evaluated: 2023-01-06. Review status: criteria provided, single submitter. Criteria: ACMG Guidelines, 2015. Collection method: clinical testing. Allele origin: germline.
Comment: The SMC3 c.3475+3A>G variant is predicted to interfere with splicing. To our knowledge, this variant has not been reported in the literature or in a large population database, indicating this variant is rare. At this time, the clinical significance of this variant is uncertain due to the absence of conclusive functional and genetic evidence.

NM_005445.4(SMC3):c.3475+3A>G

Gene: SMC3 (structural maintenance of chromosomes 3; plus strand). Cytogenetic location: 10q25.2.
Variant type: single nucleotide variant.
Coding change: c.3475+3A>G on transcript NM_005445.4 (MANE Select); 3 bases into the intron after coding-DNA position 3475, A replaced by G.
Molecular consequence: intron variant.
Genome position (GRCh38, 1-based): chr10:110,603,005, A>G. VCF-style: chr10-110603005-A-G. GRCh37 (hg19) VCF-style: chr10-112362763-A-G.
Identifiers: ClinVar variation 2628846 (VCV002628846.1), dbSNP rs1210714952, ClinGen allele CA659823393.